The following is an entry in ClinVar:

NM_000256.3(MYBPC3):c.956A>T (p.Glu319Val)

Gene: MYBPC3 (myosin binding protein C3; minus strand). Cytogenetic location: 11p11.2.
Variant type: single nucleotide variant.
Coding change: c.956A>T on transcript NM_000256.3 (MANE Select); coding-DNA position 956, A replaced by T.
Protein change: p.Glu319Val; replaces glutamic acid 319 with valine.
Molecular consequence: missense variant.
Genome position (GRCh38, 1-based): chr11:47,346,341, T>A on the plus strand (A>T on the coding strand, the complement: MYBPC3 is on the minus strand). VCF-style: chr11-47346341-T-A. GRCh37 (hg19) VCF-style: chr11-47367892-T-A.
Other names: short protein forms E319V.
Identifiers: ClinVar variation 1985440 (VCV001985440.4), dbSNP rs545675333, ClinGen allele CA221700967.
Genomic context (GRCh38, chr11:47,346,341, plus strand): 5'-TGGAAGGCGATGCGCTCGTACTCAGATGGGGGTGCCTGCCGTAGGATCTCCCACACGTCC[T>A]CCTCTGCTGGTGCCTCCAGCTTCGAGTCCCTGTGTCCCGCAGTCTAGGCTGTGGCCGGGG-3'
Protein context (NP_000247.2, residues 309-329): RDSKLEAPAE[Glu319Val]DVWEILRQAP

ClinVar aggregate classification (germline): Conflicting classifications of pathogenicity. Review status: criteria provided, conflicting classifications (1 of 4 stars). 4 submissions from 4 submitters: Uncertain significance (2); Likely benign (2). Last evaluated 2026-01-26.

Conditions:
Cardiomyopathy (CMYO). Also called: Cardiomyopathies. Identifiers: Orphanet 167848, MedGen C0878544, MONDO:0004994, HP:0001638. Inheritance: Various modes of inheritance.
Hypertrophic cardiomyopathy. Also called: HYPERTROPHIC MYOCARDIOPATHY. Identifiers: Orphanet 217569, MedGen C0007194, MeSH D002312, MONDO:0005045, HP:0001639.
Cardiovascular phenotype. Identifiers: MedGen CN230736.

Submissions (4):

Ambry Genetics
Classification: Likely benign for Cardiovascular phenotype. Last evaluated: 2026-01-26. Review status: criteria provided, single submitter. Criteria: Ambry Variant Classification Scheme 2023. Collection method: clinical testing. Allele origin: germline.

Color Diagnostics, LLC DBA Color Health
Classification: Likely benign for Cardiomyopathy. Last evaluated: 2025-07-15. Review status: criteria provided, single submitter. Criteria: ACMG Guidelines, 2015. Collection method: clinical testing. Allele origin: germline.

All of Us Research Program, National Institutes of Health
Classification: Uncertain significance for Hypertrophic cardiomyopathy. Last evaluated: 2023-12-13. Review status: criteria provided, single submitter. Criteria: ACMG Guidelines, 2015. Collection method: clinical testing. Allele origin: germline. Inheritance: Autosomal dominant inheritance. Observed: 1 variant allele, 1 heterozygote.
Comment: This missense variant replaces glutamic acid with valine at codon 319 of the MYBPC3 protein. Computational prediction suggests that this variant may not impact protein structure and function (internally defined REVEL score threshold <= 0.5, PMID: 27666373). To our knowledge, functional studies have not been reported for this variant. This variant has not been reported in individuals affected with MYBPC3-related disorders in the literature. This variant has not been identified in the general population by the Genome Aggregation Database (gnomAD). The available evidence is insufficient to determine the role of this variant in disease conclusively. Therefore, this variant is classified as a Variant of Uncertain Significance.

This study involves interpretation of variants in research participants for the purpose of population health screening. Participant phenotype was not available at the time of variant classification. Additional details can be found in publication PMID: 35346344, PMCID: PMC8962531

Labcorp Genetics (formerly Invitae), Labcorp
Classification: Uncertain significance for Hypertrophic cardiomyopathy. Last evaluated: 2022-06-22. Review status: criteria provided, single submitter. Criteria: Invitae Variant Classification Sherloc (09022015). Collection method: clinical testing. Allele origin: germline.
Comment: This sequence change replaces glutamic acid, which is acidic and polar, with valine, which is neutral and non-polar, at codon 319 of the MYBPC3 protein (p.Glu319Val). This variant is not present in population databases (gnomAD no frequency). This variant has not been reported in the literature in individuals affected with MYBPC3-related conditions. Algorithms developed to predict the effect of missense changes on protein structure and function (SIFT, PolyPhen-2, Align-GVGD) all suggest that this variant is likely to be tolerated. In summary, the available evidence is currently insufficient to determine the role of this variant in disease. Therefore, it has been classified as a Variant of Uncertain Significance.

Literature cited by the submitters: PubMed 22958901 (cited by Ambry Genetics).